The following is an entry in ClinVar:

ClinVar aggregate classification (germline): Likely benign (1 of 4 stars; one submission).

Conditions:
MKKS-related disorder. Also called: MKKS-related condition; MKKS-related disorders.

Submission:

PreventionGenetics, part of Exact Sciences
Classification: Likely benign for MKKS-related condition. Last evaluated: 2025-08-02. Review status: criteria provided, single submitter. Criteria: ACMG Guidelines, 2015. Collection method: clinical testing. Allele origin: germline.
Comment: This variant is classified as likely benign based on ACMG/AMP sequence variant interpretation guidelines (Richards et al. 2015 PMID: 25741868, with internal and published modifications).

NM_170784.3(MKKS):c.1245T>C (p.Thr415=)

Gene: MKKS (MKKS centrosomal shuttling protein; minus strand). Cytogenetic location: 20p12.2.
Variant type: single nucleotide variant.
Coding change: c.1245T>C on transcript NM_170784.3 (MANE Select); coding-DNA position 1245, T replaced by C.
Protein change: p.Thr415=; no amino-acid change (threonine 415 retained).
Molecular consequence: synonymous variant. On other transcripts: non-coding transcript variant (1).
Genome position (GRCh38, 1-based): chr20:10,407,643, A>G on the plus strand (T>C on the coding strand, the complement: MKKS is on the minus strand). VCF-style: chr20-10407643-A-G. GRCh37 (hg19) VCF-style: chr20-10388291-A-G.
Other names: c.1245T>C, p.Thr415= (NM_018848.3).
Identifiers: ClinVar variation 4979647 (VCV004979647.1).
Genomic context (GRCh38, chr20:10,407,643, plus strand): 5'-TTCAGGTAATCCGAAGAGGATTATCTTACATACCTTGTGTCTGATATATGCAGCCAAATG[A>G]GTTTCAGTACAGCCACCTCCCAACAAAGCCCATGGTTCCTTGAGTGTTAACTGCAGGACA-3'
Protein context (NP_740754.1, residues 405-425): WALLGGGCTE[Thr415=]HLAAYIRHKT